The following is an entry in ClinVar:

NM_004614.5(TK2):c.793C>T (p.Pro265Ser)

Gene: TK2 (thymidine kinase 2; minus strand). Cytogenetic location: 16q21.
Variant type: single nucleotide variant.
Coding change: c.793C>T on transcript NM_004614.5 (MANE Select); coding-DNA position 793, C replaced by T.
Protein change: p.Pro265Ser; replaces proline 265 with serine.
Molecular consequence: missense variant. On other transcripts: 3 prime UTR variant (1), non-coding transcript variant (1).
Genome position (GRCh38, 1-based): chr16:66,511,973, G>A on the plus strand (C>T on the coding strand, the complement: TK2 is on the minus strand). VCF-style: chr16-66511973-G-A. GRCh37 (hg19) VCF-style: chr16-66545876-G-A.
Other names: c.700C>T, p.Pro234Ser (NM_001172643.1); c.718C>T, p.Pro240Ser (NM_001172644.2); c.739C>T, p.Pro247Ser (NM_001172645.2); c.646C>T, p.Pro216Ser (NM_001271934.2); c.*90C>T (NM_001271935.1); c.502C>T, p.Pro168Ser (NM_001272050.2); short protein forms P240S, P216S, P247S, P168S, P234S, P265S.
Identifiers: ClinVar variation 1462977 (VCV001462977.3), dbSNP rs1288452721, ClinGen allele CA396186559.
Genomic context (GRCh38, chr16:66,511,973, plus strand): 5'-GCTAACTTGGCAGCAGCAGGCATTTTTCAGACATGAGCCATAGACCTTTTGCCTCCTATG[G>A]GCAATGCTTCCGATTCTCTGGAGTTAATATTCGATCCCGATTTTGTTCAAAGAGTTCTAA-3'
Protein context (NP_004605.4, residues 255-265): ILTPENRKHC[Pro265Ser]

ClinVar aggregate classification (germline): Uncertain significance (1 of 4 stars; one submission).

Allele frequency attached by ClinVar (database versions not stated): gnomAD exomes below 0.00001.
gnomAD v4.1: 6 of 1,614,028 alleles (0.00037%); highest among the groups gnomAD compares: East Asian, 0.0045%; no homozygotes.

Submission:

Labcorp Genetics (formerly Invitae), Labcorp
Classification: Uncertain significance. Last evaluated: 2022-09-27. Review status: criteria provided, single submitter. Criteria: Invitae Variant Classification Sherloc (09022015). Collection method: clinical testing. Allele origin: germline.
Comment: This sequence change replaces proline, which is neutral and non-polar, with serine, which is neutral and polar, at codon 265 of the TK2 protein (p.Pro265Ser). This variant is present in population databases (no rsID available, gnomAD 0.0009%). This variant has not been reported in the literature in individuals affected with TK2-related conditions. ClinVar contains an entry for this variant (Variation ID: 1462977). Advanced modeling of protein sequence and biophysical properties (such as structural, functional, and spatial information, amino acid conservation, physicochemical variation, residue mobility, and thermodynamic stability) performed at Invitae indicates that this missense variant is not expected to disrupt TK2 protein function. In summary, the available evidence is currently insufficient to determine the role of this variant in disease. Therefore, it has been classified as a Variant of Uncertain Significance.